The following is an entry in ClinVar:

ClinVar aggregate classification (germline): Uncertain significance. Review status: criteria provided, multiple submitters, no conflicts (2 of 4 stars). 7 submissions from 7 submitters: Uncertain significance (5). 2 of the submissions do not count toward it. Last evaluated 2026-09-10.

Conditions:
Congenital myotonia, autosomal dominant form (THD). Also called: THOMSEN DISEASE; Myotonia congenita autosomal dominant. Identifiers: Orphanet 614, MedGen C2936781, MONDO:0008055, OMIM 160800.
Congenital myotonia, autosomal recessive form. Also called: myotonia congenita, autosomal recessive; BECKER DISEASE; Becker Generalized Myotonia. Identifiers: Orphanet 614, MedGen C0751360, MONDO:0009715, OMIM 255700.
Batten-Turner congenital myopathy. Also called: Myotonia congenita; Congenital myotonia. Identifiers: Orphanet 206973, MedGen C0027127, MONDO:0100468, OMIM 255300.

Allele frequency attached by ClinVar (database versions not stated): gnomAD exomes 0.00003 and 0.00013; ExAC 0.00014; gnomAD 0.00035; TOPMed 0.00039; 1000 Genomes Project 30x 0.00062; 1000 Genomes Project 0.00080.
gnomAD v4.1: 107 of 1,614,150 alleles (0.0066%); highest among the groups gnomAD compares: African/African-American, 0.11%; no homozygotes.

Submissions (7):

GeneDx
Classification: Uncertain significance. Last evaluated: 2026-09-10. Review status: criteria provided, single submitter. Criteria: GeneDx Variant Classification Process June 2021. Collection method: clinical testing. Allele origin: germline.
Comment: Functional studies indicate P932L results in reduced surface expression of CLCN1 protein (PMID: 17107341); Functional studies demonstrate that P932L results in nearly wild-type chloride currents (PMID: 15241802); In silico analysis suggests that this missense variant does not alter protein structure/function; This variant is associated with the following publications: (PMID: 19917643, 27653901, 18263754, 11933197, 12566541, 15786415, 23739125, 15311340, 29935101, 32117034, 15241802, 11113225, 17107341)

Women's Health and Genetics/Laboratory Corporation of America, LabCorp
Classification: Uncertain significance. Last evaluated: 2025-07-10. Review status: criteria provided, single submitter. Criteria: LabCorp Variant Classification Summary - May 2015. Collection method: clinical testing. Allele origin: germline.
Comment: Variant summary: CLCN1 c.2795C>T (p.Pro932Leu) results in a non-conservative amino acid change in the encoded protein sequence. Algorithms developed to predict the effect of missense changes on protein structure and function are either unavailable or do not agree on the potential impact of this missense change. The variant allele was found at a frequency of 0.00013 in 250476 control chromosomes. This frequency is not significantly higher than estimated for a pathogenic variant in CLCN1 causing Congenital Myotonia, Autosomal Recessive Form, allowing no conclusion about variant significance. c.2795C>T has been observed in individual(s) affected with Congenital Myotonia, Autosomal Recessive Form, as well as heterozygous in a mildly affected family member (Nagamitsu_2000, Brugnoni_2013). These data indicate that the variant may be associated with disease. At least one publication reports experimental evidence evaluating an impact on protein function. These results showed no damaging effect of this variant on chloride channel activity (Simpson_2004, Macias_2007). The following publications have been ascertained in the context of this evaluation (PMID: 11113225, 23739125, 15241802, 17107341). ClinVar contains an entry for this variant (Variation ID: 17533). Based on the evidence outlined above, the variant was classified as VUS-possibly pathogenic.

Athena Diagnostics
Classification: Uncertain significance. Last evaluated: 2024-12-27. Review status: criteria provided, single submitter. Criteria: Athena Diagnostics Criteria. Collection method: clinical testing. Allele origin: unknown.
Comment: Available data are insufficient to determine the clinical significance of the variant at this time. The frequency of this variant in the general population is uninformative in assessment of its pathogenicity. This variant has been identified in at least one individual with clinical features associated with this gene. Assessment of experimental evidence regarding the effect of this variant on protein function is inconclusive. Results were insufficient to demonstrate an effect on protein function related to disease (PMID: 15241802, 17107341). Polyphen and MutationTaster yielded discordant predictions regarding whether this amino acid change is damaging to the protein.

Labcorp Genetics (formerly Invitae), Labcorp
Classification: Uncertain significance for Congenital myotonia, autosomal recessive form; Congenital myotonia, autosomal dominant form. Last evaluated: 2024-12-03. Review status: criteria provided, single submitter. Criteria: Invitae Variant Classification Sherloc (09022015). Collection method: clinical testing. Allele origin: germline.
Comment: This sequence change replaces proline, which is neutral and non-polar, with leucine, which is neutral and non-polar, at codon 932 of the CLCN1 protein (p.Pro932Leu). This variant is present in population databases (rs80356706, gnomAD 0.1%). This missense change has been observed in individual(s) with autosomal recessive myotonia congenita (PMID: 11113225, 23739125). In at least one individual the data is consistent with being in trans (on the opposite chromosome) from a pathogenic variant. It has also been observed to segregate with disease in related individuals. ClinVar contains an entry for this variant (Variation ID: 17533). Invitae Evidence Modeling of protein sequence and biophysical properties (such as structural, functional, and spatial information, amino acid conservation, physicochemical variation, residue mobility, and thermodynamic stability) indicates that this missense variant is not expected to disrupt CLCN1 protein function with a negative predictive value of 95%. Experimental studies are conflicting or provide insufficient evidence to determine the effect of this variant on CLCN1 function (PMID: 15241802, 17107341). In summary, the available evidence is currently insufficient to determine the role of this variant in disease. Therefore, it has been classified as a Variant of Uncertain Significance.

Revvity Omics, Revvity
Classification: Uncertain significance. Last evaluated: 2022-07-13. Review status: criteria provided, single submitter. Criteria: ACMG Guidelines, 2015. Collection method: clinical testing. Allele origin: germline.

OMIM
Classification: Pathogenic for MYOTONIA CONGENITA, AUTOSOMAL RECESSIVE. Last evaluated: 2000-12-12. Review status: no assertion criteria provided. Collection method: literature only. Allele origin: germline. Not counted in ClinVar's aggregate classification.

GeneReviews
No classification provided. Condition: Batten-Turner congenital myopathy. Review status: no classification provided. Collection method: literature only. Allele origin: unknown. Not counted in ClinVar's aggregate classification.

Literature cited by the submitters: PubMed 23739125 (cited by 3 submitters); PubMed 17107341 (cited by 3 submitters); PubMed 11113225 (cited by 5 submitters); PubMed 15241802 (cited by 3 submitters); PubMed 20301529 (cited by GeneReviews); NCBI Bookshelf NBK1355 (cited by GeneReviews).

NM_000083.3(CLCN1):c.2795C>T (p.Pro932Leu)

Gene: CLCN1 (chloride voltage-gated channel 1; plus strand). Cytogenetic location: 7q34.
Variant type: single nucleotide variant.
Coding change: c.2795C>T on transcript NM_000083.3 (MANE Select); coding-DNA position 2795, C replaced by T.
Protein change: p.Pro932Leu; replaces proline 932 with leucine.
Molecular consequence: missense variant. On other transcripts: non-coding transcript variant (1).
Genome position (GRCh38, 1-based): chr7:143,351,793, C>T. VCF-style: chr7-143351793-C-T. GRCh37 (hg19) VCF-style: chr7-143048886-C-T.
Other names: short protein forms P932L.
Identifiers: ClinVar variation 17533 (VCV000017533.18), dbSNP rs80356706, ClinGen allele CA258014.
Genomic context (GRCh38, chr7:143,351,793, plus strand): 5'-ACAGGCCTGGGGCCACTGGAACAGGGGATGTGATTGCTGCCTCCCCAGAGACCCCTGTGC[C>T]ATCTCCTTCCCCAGAGCCCCCTCTCTCCCTGGCCCCAGGCAAGGTAGAGGGCGAGTTGGA-3'
Protein context (NP_000074.3, residues 922-942): VIAASPETPV[Pro932Leu]SPSPEPPLSL